The following is an entry in ClinVar:

ClinVar aggregate classification (germline): Uncertain significance (1 of 4 stars; one submission).

gnomAD v4.1: 31 of 1,613,972 alleles (0.0019%); highest among the groups gnomAD compares: African/African-American, 0.008%; no homozygotes.

Submission:

Labcorp Genetics (formerly Invitae), Labcorp
Classification: Uncertain significance. Last evaluated: 2024-11-27. Review status: criteria provided, single submitter. Criteria: Invitae Variant Classification Sherloc (09022015). Collection method: clinical testing. Allele origin: germline.
Comment: This sequence change replaces arginine, which is basic and polar, with glutamine, which is neutral and polar, at codon 610 of the EPHA4 protein (p.Arg610Gln). This variant is present in population databases (rs376651409, gnomAD 0.005%). This variant has not been reported in the literature in individuals affected with EPHA4-related conditions. Invitae Evidence Modeling of protein sequence and biophysical properties (such as structural, functional, and spatial information, amino acid conservation, physicochemical variation, residue mobility, and thermodynamic stability) indicates that this missense variant is not expected to disrupt EPHA4 protein function with a negative predictive value of 80%. In summary, the available evidence is currently insufficient to determine the role of this variant in disease. Therefore, it has been classified as a Variant of Uncertain Significance.

NM_004438.5(EPHA4):c.1829G>A (p.Arg610Gln)

Gene: EPHA4 (EPH receptor A4; minus strand). Cytogenetic location: 2q36.1.
Variant type: single nucleotide variant.
Coding change: c.1829G>A on transcript NM_004438.5 (MANE Select); coding-DNA position 1829, G replaced by A.
Protein change: p.Arg610Gln; replaces arginine 610 with glutamine.
Molecular consequence: missense variant.
Genome position (GRCh38, 1-based): chr2:221,443,552, C>T on the plus strand (G>A on the coding strand, the complement: EPHA4 is on the minus strand). VCF-style: chr2-221443552-C-T. GRCh37 (hg19) VCF-style: chr2-222308272-C-T.
Other names: c.1829G>A, p.Arg610Gln (NM_001304536.2, NM_001363748.2); c.1676G>A, p.Arg559Gln (NM_001304537.2); short protein forms R610Q, R559Q.
Identifiers: ClinVar variation 3633884 (VCV003633884.2).